The following is an entry in ClinVar:

ClinVar aggregate classification (germline): Uncertain significance (1 of 4 stars; one submission).

Conditions:
Developmental and epileptic encephalopathy, 8 (DEE8). Also called: HYPEREKPLEXIA AND EPILEPSY. Identifiers: Orphanet 163985, Orphanet 2076, MedGen C1845102, MONDO:0010375, OMIM 300607.

Allele frequency attached by ClinVar (database versions not stated): TOPMed below 0.00001; ExAC 0.00001; gnomAD exomes 0.00001.

Submission:

Labcorp Genetics (formerly Invitae), Labcorp
Classification: Uncertain significance for Developmental and epileptic encephalopathy, 8. Last evaluated: 2023-06-16. Review status: criteria provided, single submitter. Criteria: Invitae Variant Classification Sherloc (09022015). Collection method: clinical testing. Allele origin: germline.
Comment: In summary, the available evidence is currently insufficient to determine the role of this variant in disease. Therefore, it has been classified as a Variant of Uncertain Significance. Advanced modeling of protein sequence and biophysical properties (such as structural, functional, and spatial information, amino acid conservation, physicochemical variation, residue mobility, and thermodynamic stability) has been performed at Invitae for this missense variant, however the output from this modeling did not meet the statistical confidence thresholds required to predict the impact of this variant on ARHGEF9 protein function. ClinVar contains an entry for this variant (Variation ID: 2179887). This variant has not been reported in the literature in individuals affected with ARHGEF9-related conditions. The frequency data for this variant in the population databases is considered unreliable, as metrics indicate poor data quality at this position in the gnomAD database. This sequence change replaces arginine, which is basic and polar, with glutamine, which is neutral and polar, at codon 134 of the ARHGEF9 protein (p.Arg134Gln).

NM_001353921.2(ARHGEF9):c.422G>A (p.Arg141Gln)

Gene: ARHGEF9 (Cdc42 guanine nucleotide exchange factor 9; minus strand). Cytogenetic location: Xq11.1.
Variant type: single nucleotide variant.
Coding change: c.422G>A on transcript NM_001353921.2 (MANE Select); coding-DNA position 422, G replaced by A.
Protein change: p.Arg141Gln; replaces arginine 141 with glutamine.
Molecular consequence: missense variant. On other transcripts: 5 prime UTR variant (1).
Genome position (GRCh38, 1-based): chrX:63,697,285, C>T on the plus strand (G>A on the coding strand, the complement: ARHGEF9 is on the minus strand). VCF-style: chrX-63697285-C-T. GRCh37 (hg19) VCF-style: chrX-62917165-C-T.
Other names: c.242G>A, p.Arg81Gln (NM_001173479.2); c.95G>A, p.Arg32Gln (NM_001173480.2, NM_001369042.1); c.338G>A, p.Arg113Gln (NM_001330495.2, NM_001353927.2, NM_001369033.1 and 8 more transcripts); c.422G>A, p.Arg141Gln (NM_001353922.2); c.440G>A, p.Arg147Gln (NM_001353923.1); c.221G>A, p.Arg74Gln (NM_001353924.2, NM_001353926.2, NM_001369039.1 and 1 more transcripts); c.401G>A, p.Arg134Gln (NM_001353928.2, NM_001369030.1, NM_001369031.1 and 2 more transcripts); c.-14G>A (NM_001369045.1); short protein forms R134Q, R74Q, R81Q, R113Q, R32Q, R141Q, R147Q.
Identifiers: ClinVar variation 2179887 (VCV002179887.4), dbSNP rs782418528, ClinGen allele CA10431942.